The following is an entry in ClinVar:

ClinVar aggregate classification (germline): Uncertain significance. Review status: criteria provided, multiple submitters, no conflicts (2 of 4 stars). 2 submissions from 2 submitters: Uncertain significance (2). Last evaluated 2025-09-21.

Conditions:
Hereditary cancer-predisposing syndrome. Also called: Neoplastic Syndromes, Hereditary; Tumor predisposition; Hereditary neoplastic syndrome; Hereditary Cancer Syndrome. Identifiers: Orphanet 140162, MedGen C0027672, MeSH D009386, MONDO:0015356.
Breast-ovarian cancer, familial, susceptibility to, 4. Identifiers: Orphanet 145, MedGen C3280345, MONDO:0013669, OMIM 614291.

Allele frequency attached by ClinVar (database versions not stated): TOPMed below 0.00001; gnomAD 0.00001.
gnomAD v4.1: 1 of 1,614,004 alleles (0.000062%); highest among the groups gnomAD compares: African/African-American, 0.0013%; no homozygotes.

Submissions (2):

Labcorp Genetics (formerly Invitae), Labcorp
Classification: Uncertain significance for Breast-ovarian cancer, familial, susceptibility to, 4. Last evaluated: 2025-09-21. Review status: criteria provided, single submitter. Criteria: Invitae Variant Classification Sherloc (09022015). Collection method: clinical testing. Allele origin: germline.
Comment: This sequence change replaces leucine, which is neutral and non-polar, with valine, which is neutral and non-polar, at codon 141 of the RAD51D protein (p.Leu141Val). This variant is not present in population databases (gnomAD no frequency). This variant has not been reported in the literature in individuals affected with RAD51D-related conditions. ClinVar contains an entry for this variant (Variation ID: 824689). Invitae Evidence Modeling of protein sequence and biophysical properties (such as structural, functional, and spatial information, amino acid conservation, physicochemical variation, residue mobility, and thermodynamic stability) indicates that this missense variant is not expected to disrupt RAD51D protein function with a negative predictive value of 80%. In summary, the available evidence is currently insufficient to determine the role of this variant in disease. Therefore, it has been classified as a Variant of Uncertain Significance.

Ambry Genetics
Classification: Uncertain significance for Hereditary cancer-predisposing syndrome. Last evaluated: 2025-01-02. Review status: criteria provided, single submitter. Criteria: Ambry Variant Classification Scheme 2023. Collection method: clinical testing. Allele origin: germline.
Comment: The p.L141V variant (also known as c.421C>G), located in coding exon 5 of the RAD51D gene, results from a C to G substitution at nucleotide position 421. The leucine at codon 141 is replaced by valine, an amino acid with highly similar properties. This amino acid position is well conserved in available vertebrate species. In addition, this alteration is predicted to be tolerated by in silico analysis. Since supporting evidence is limited at this time, the clinical significance of this alteration remains unclear.

NM_002878.4(RAD51D):c.421C>G (p.Leu141Val)

Genes: RAD51D (RAD51 paralog D; minus strand), RAD51L3-RFFL (RAD51L3-RFFL readthrough; minus strand). Cytogenetic location: 17q12.
Variant type: single nucleotide variant.
Coding change: c.421C>G on transcript NM_002878.4 (MANE Select); coding-DNA position 421, C replaced by G.
Protein change: p.Leu141Val; replaces leucine 141 with valine.
Molecular consequence: missense variant. On other transcripts: non-coding transcript variant (1), intron variant (1).
Genome position (GRCh38, 1-based): chr17:35,107,047, G>C on the plus strand (C>G on the coding strand, the complement: RAD51D is on the minus strand). VCF-style: chr17-35107047-G-C. GRCh37 (hg19) VCF-style: chr17-33434066-G-C.
Other names: c.481C>G, p.Leu161Val (NM_001142571.2); c.145-566C>G (NM_133629.3); short protein forms L141V, L161V.
Identifiers: ClinVar variation 824689 (VCV000824689.12), dbSNP rs1057523780, ClinGen allele CA399089258.